The following is an entry in ClinVar:

NM_004006.3(DMD):c.2294_2297del (p.Ala765fs)

Gene: DMD (dystrophin; minus strand). Cytogenetic location: Xp21.1.
Variant type: Deletion.
Coding change: c.2294_2297del on transcript NM_004006.3 (MANE Select); coding-DNA positions 2294 to 2297, 4 bases deleted (CCAT; older notation c.2294_2297delCCAT).
Protein change: p.Ala765fs; shifts the reading frame from alanine 765.
Molecular consequence: frameshift variant.
Genome position (GRCh38, 1-based): chrX:32,501,838-32,501,841, ATGG deleted on the plus strand (CCAT on the coding strand, the reverse complement: DMD is on the minus strand). VCF-style (leftmost placement, unchanged base first): chrX-32501837-TATGG-T. GRCh37 (hg19) VCF-style: chrX-32519954-TATGG-T.
Other names: c.2294_2297delCCAT (NM_004006.2); c.2270_2273del, p.Ala757fs (NM_000109.4); c.2282_2285del, p.Ala761fs (NM_004009.3); c.1925_1928del, p.Ala642fs (NM_004010.3); short protein forms A642fs, A765fs, A757fs, A761fs.
Identifiers: ClinVar variation 94502 (VCV000094502.12), dbSNP rs398123882, ClinGen allele CA266927.

ClinVar aggregate classification (germline): Pathogenic. Review status: criteria provided, multiple submitters, no conflicts (2 of 4 stars). 2 submissions from 2 submitters: Pathogenic (2). Last evaluated 2020-06-07.

Conditions:
Duchenne muscular dystrophy (DMD). Also called: Duchenne Muscular Dystrophy (DMD); MUSCULAR DYSTROPHY, PSEUDOHYPERTROPHIC PROGRESSIVE, DUCHENNE TYPE. Identifiers: Orphanet 98896, MedGen C0013264, MONDO:0010679, OMIM 310200.

Submissions (2):

Labcorp Genetics (formerly Invitae), Labcorp
Classification: Pathogenic for Duchenne muscular dystrophy. Last evaluated: 2020-06-07. Review status: criteria provided, single submitter. Criteria: Invitae Variant Classification Sherloc (09022015). Collection method: clinical testing. Allele origin: germline.
Comment: For these reasons, this variant has been classified as Pathogenic. Loss-of-function variants in DMD are known to be pathogenic (PMID: 16770791, 25007885). This variant has not been reported in the literature in individuals with DMD-related conditions. ClinVar contains an entry for this variant (Variation ID: 94502). This variant is not present in population databases (ExAC no frequency). This sequence change creates a premature translational stop signal (p.Ala765Glufs*27) in the DMD gene. It is expected to result in an absent or disrupted protein product.

Eurofins Ntd Llc (ga)
Classification: Pathogenic. Last evaluated: 2013-05-30. Review status: criteria provided, single submitter. Criteria: EGL Classification Definitions 2015. Collection method: clinical testing. Allele origin: germline. Observed: 2 variant alleles, 2 heterozygotes.

Literature cited by the submitters: PubMed 16770791 (cited by Labcorp Genetics (formerly Invitae), Labcorp); PubMed 25007885 (cited by Labcorp Genetics (formerly Invitae), Labcorp).